The following is an entry in ClinVar:

ClinVar aggregate classification (germline): Likely benign. Review status: reviewed by expert panel (3 of 4 stars). 4 submissions from 4 submitters: Likely benign (1). 3 of the submissions do not count toward it. Last evaluated 2022-06-06.

Conditions:
Creatine transporter deficiency (CCDS1). Also called: CEREBRAL CREATINE DEFICIENCY SYNDROME 1; Creatine Transporter (CRTR) Deficiency; Mental retardation , X-linked with seizures, short stature and midface hypoplasia; Mental retardation , X-linked, with creatine transport deficiency; X-linked creatine transporter deficiency; X-linked creatine deficiency syndrome. Identifiers: Orphanet 52503, MedGen C1845862, MONDO:0010305, OMIM 300352.

Submissions (4):

ClinGen Cerebral Creatine Deficiency Syndromes Variant Curation Expert Panel, ClinGen
Classification: Likely benign for Creatine transporter deficiency. Last evaluated: 2022-06-06. Review status: reviewed by expert panel. Criteria: ClinGen_CCDS_ACMG_Specifications_SLC6A8_v1.1. Collection method: curation. Allele origin: germline. Inheritance: X-linked inheritance.
Comment: The NM_005629.4:c.354C>T (p.Ala118=) variant in SLC6A8 is a synonymous (silent) variant that is not predicted by SpliceAI or varSEAK to impact splicing, and it occurs at a nucleotide that is not conserved (BP4, BP7). The variant is absent in gnomAD v2.1.1 (PM2_Supporting). To our knowledge, this variant has not been reported in any patients with creatine transporter deficiency in the literature. There is a ClinVar entry for this variant (Variation ID: 511340). Although this variant is rare (meeting PM2_Supporting), it has been classified as likely benign by the ClinGen Creatine Deficiency Syndromes (CCDS) Variant Curation Expert Panel (VCEP) based on the recommendation of Richards et al (PMID: 25741868) because it is a synonymous variant, the altered nucleotide is not highly conserved, computational prediction suggests no impact on splicing, and there is no additional evidence to suggest that the variant is disease-causing. SLC6A8-specific ACMG/AMP criteria applied, as specified by the ClinGen LSD VCEP (specifications version 1.1.0): PM2_Supporting, BP4, BP7. (Classification approved by the ClinGen CCDS VCEP on June 6, 2022).

Labcorp Genetics (formerly Invitae), Labcorp
Classification: Likely benign for Creatine transporter deficiency. Last evaluated: 2026-01-19. Review status: criteria provided, single submitter. Criteria: Invitae Variant Classification Sherloc (09022015). Collection method: clinical testing. Allele origin: germline. Not counted in ClinVar's aggregate classification.

Blueprint Genetics
Classification: Likely benign. Last evaluated: 2024-09-03. Review status: criteria provided, single submitter. Criteria: ACMG Guidelines, 2015. Collection method: clinical testing. Allele origin: germline. Not counted in ClinVar's aggregate classification.

GeneDx
Classification: Likely benign. Last evaluated: 2017-08-10. Review status: criteria provided, single submitter. Criteria: GeneDx Variant Classification (06012015). Collection method: clinical testing. Allele origin: germline. Affected: yes. Not counted in ClinVar's aggregate classification.
Comment: This variant is considered likely benign or benign based on one or more of the following criteria: it is a conservative change, it occurs at a poorly conserved position in the protein, it is predicted to be benign by multiple in silico algorithms, and/or has population frequency not consistent with disease.

NM_005629.4(SLC6A8):c.354C>T (p.Ala118=)

Gene: SLC6A8 (solute carrier family 6 member 8; plus strand). Cytogenetic location: Xq28.
Variant type: single nucleotide variant.
Coding change: c.354C>T on transcript NM_005629.4 (MANE Select); coding-DNA position 354, C replaced by T.
Protein change: p.Ala118=; no amino-acid change (alanine 118 retained).
Molecular consequence: synonymous variant.
Genome position (GRCh38, 1-based): chrX:153,690,466, C>T. VCF-style: chrX-153690466-C-T. GRCh37 (hg19) VCF-style: chrX-152955921-C-T.
Other names: NM_005629.4(SLC6A8):c.354C>T; p.Ala118=; c.354C>T, p.Ala118= (NM_001142805.2); c.9C>T, p.Ala3= (NM_001142806.1).
Identifiers: ClinVar variation 511340 (VCV000511340.13), dbSNP rs1557044183, ClinGen allele CA519184963.